The following is an entry in ClinVar:

NM_058216.3(RAD51C):c.1027-9A>C

Gene: RAD51C (RAD51 paralog C; plus strand). Cytogenetic location: 17q22.
Variant type: single nucleotide variant.
Coding change: c.1027-9A>C on transcript NM_058216.3 (MANE Select); 9 bases into the intron before coding-DNA position 1027, A replaced by C.
Molecular consequence: intron variant.
Genome position (GRCh38, 1-based): chr17:58,734,109, A>C. VCF-style: chr17-58734109-A-C. GRCh37 (hg19) VCF-style: chr17-56811470-A-C.
Identifiers: ClinVar variation 1132826 (VCV001132826.10), dbSNP rs2144059903, ClinGen allele CA2499224769.

ClinVar aggregate classification (germline): Likely benign. Review status: criteria provided, multiple submitters, no conflicts (2 of 4 stars). 2 submissions from 2 submitters: Likely benign (2). Last evaluated 2025-02-19.

Conditions:
Breast-ovarian cancer, familial, susceptibility to, 3. Also called: RAD51C-Related Breast/Ovarian Cancer. Identifiers: Orphanet 145, MedGen C3150659, MONDO:0013253, OMIM 613399.
Fanconi anemia complementation group O. Also called: RAD51C-Related Fanconi Anemia. Identifiers: Orphanet 84, MedGen C3150653, MONDO:0013248, OMIM 613390.

Submissions (2):

Myriad Genetics, Inc.
Classification: Likely benign for Breast-ovarian cancer, familial, susceptibility to, 3. Last evaluated: 2025-02-19. Review status: criteria provided, single submitter. Criteria: Myriad Autosomal Dominant, Autosomal Recessive and X-Linked Classification Criteria (2023). Collection method: clinical testing. Allele origin: unknown.
Comment: This variant is considered likely benign. This variant is intronic and is not expected to impact mRNA splicing.

Labcorp Genetics (formerly Invitae), Labcorp
Classification: Likely benign for Fanconi anemia complementation group O. Last evaluated: 2020-01-23. Review status: criteria provided, single submitter. Criteria: Invitae Variant Classification Sherloc (09022015). Collection method: clinical testing. Allele origin: germline.